The following is an entry in ClinVar:

ClinVar aggregate classification (germline): Uncertain significance (1 of 4 stars; one submission).

Conditions:
Hereditary cancer-predisposing syndrome. Also called: Neoplastic Syndromes, Hereditary; Hereditary Cancer Syndrome; Tumor predisposition; Hereditary neoplastic syndrome. Identifiers: Orphanet 140162, MedGen C0027672, MeSH D009386, MONDO:0015356.

Submission:

Ambry Genetics
Classification: Uncertain significance for Hereditary cancer-predisposing syndrome. Last evaluated: 2024-12-30. Review status: criteria provided, single submitter. Criteria: Ambry Variant Classification Scheme 2023. Collection method: clinical testing. Allele origin: germline.
Comment: The c.910-1G>C intronic variant results from a G to C substitution one nucleotide upstream from coding exon 10 of the POLE gene. Alterations that disrupt the canonical splice site are expected to result in aberrant splicing. In silico splice site analysis predicts that this alteration will weaken the native splice acceptor site and will result in the creation or strengthening of a novel splice acceptor site. The resulting transcript is predicted to be in-frame and is not expected to trigger nonsense-mediated mRNA decay; although, direct evidence is unavailable. RNA studies have demonstrated that this alteration results in abnormal splicing in the set of samples tested (Ambry internal data). This nucleotide position is highly conserved in available vertebrate species. Based on the supporting evidence, this alteration is likely pathogenic for POLE deficiency; however, the association of this alteration with POLE-related polymerase proofreading-associated polyposis (PPAP) and POLE-related CMMRD-like syndrome is unknown.

NM_006231.4(POLE):c.910-1G>C

Gene: POLE (DNA polymerase epsilon, catalytic subunit; minus strand). Cytogenetic location: 12q24.33.
Variant type: single nucleotide variant.
Coding change: c.910-1G>C on transcript NM_006231.4 (MANE Select); the canonical splice acceptor site of the intron before coding-DNA position 910, G replaced by C.
Molecular consequence: splice acceptor variant.
Genome position (GRCh38, 1-based): chr12:132,676,205, C>G on the plus strand (G>C on the coding strand, the complement: POLE is on the minus strand). VCF-style: chr12-132676205-C-G. GRCh37 (hg19) VCF-style: chr12-133252791-C-G.
Identifiers: ClinVar variation 3781531 (VCV003781531.1).
Genomic context (GRCh38, chr12:132,676,205, plus strand): 5'-GGTGAACTCAAAATCTTCAATATCTTCTGAAACAATCTCCCTGTTGGTGATGAGGTAGCC[C>G]TAGCCAAGTTCATTAGCAATCAGCACAAGTCAGAGGCTGCAAAGCCAAGAAATGGCGTTC-3'